The following is an entry in ClinVar:

NM_000128.4(F11):c.559G>T (p.Gly187Ter)

Gene: F11 (coagulation factor XI; plus strand). Cytogenetic location: 4q35.2.
Variant type: single nucleotide variant.
Coding change: c.559G>T on transcript NM_000128.4 (MANE Select); coding-DNA position 559, G replaced by T.
Protein change: p.Gly187Ter; replaces glycine 187 with a stop codon.
Molecular consequence: nonsense. On other transcripts: intron variant (4).
Genome position (GRCh38, 1-based): chr4:186,275,860, G>T. VCF-style: chr4-186275860-G-T. GRCh37 (hg19) VCF-style: chr4-187197014-G-T.
Other names: c.559G>T, p.Gly187Ter (NM_001440590.1, NM_001440593.1, NM_001440596.1); c.485+1585G>T (NM_001440605.1, NM_001440607.1, NM_001440606.1 and 1 more transcripts); short protein forms G187*.
Identifiers: ClinVar variation 5015110 (VCV005015110.1).

ClinVar aggregate classification (germline): Pathogenic (1 of 4 stars; one submission).

Conditions:
Hereditary factor XI deficiency disease. Also called: PLASMA THROMBOPLASTIN ANTECEDENT DEFICIENCY; PTA DEFICIENCY; ROSENTHAL SYNDROME; Congenital factor XI deficiency. Identifiers: Orphanet 329, MedGen C0015523, MeSH D005173, MONDO:0012897, OMIM 612416.

Submission:

Myriad Genetics, Inc.
Classification: Pathogenic for Hereditary factor XI deficiency disease. Last evaluated: 2025-10-18. Review status: criteria provided, single submitter. Criteria: Myriad Autosomal Dominant, Autosomal Recessive and X-Linked Classification Criteria (2023). Collection method: clinical testing. Allele origin: unknown.
Comment: NM_000128.3(F11):c.559G>T(G187*) is expected to be pathogenic in the context of factor XI deficiency. This variant is predicted to lead to an abnormal or absent protein product due to the creation of a premature termination codon in F11, a gene where loss-of-function variants are known to be pathogenic. Please note: this variant was assessed in the context of healthy population screening.